The following is an entry in ClinVar:

ClinVar aggregate classification (germline): Uncertain significance (1 of 4 stars; one submission).

Conditions:
Severe myoclonic epilepsy in infancy (DRVT). Also called: SEVERE MYOCLONIC EPILEPSY OF INFANCY; DEVELOPMENTAL AND EPILEPTIC ENCEPHALOPATHY 6A; Severe Myoclonic Epilepsy in Infancy (SMEI); Dravet syndrome; Epileptic encephalopathy, early infantile, 6 (Dravet syndrome). Identifiers: Orphanet 33069, MedGen C0751122, MONDO:0100135, OMIM 607208.

Submission:

Labcorp Genetics (formerly Invitae), Labcorp
Classification: Uncertain significance for Severe myoclonic epilepsy in infancy. Last evaluated: 2024-02-15. Review status: criteria provided, single submitter. Criteria: Invitae Variant Classification Sherloc (09022015). Collection method: clinical testing. Allele origin: germline.
Comment: This variant, c.66_71dup, results in the insertion of 2 amino acid(s) of the SNX27 protein (p.Gly24_Gly25dup), but otherwise preserves the integrity of the reading frame. This variant is present in population databases (no rsID available, gnomAD 0.006%). This variant has not been reported in the literature in individuals affected with SNX27-related conditions. Experimental studies and prediction algorithms are not available or were not evaluated, and the functional significance of this variant is currently unknown. In summary, the available evidence is currently insufficient to determine the role of this variant in disease. Therefore, it has been classified as a Variant of Uncertain Significance.

NM_001330723.2(SNX27):c.60CGG[6] (p.Gly24_Gly25dup)

Genes: SNX27 (sorting nexin 27; plus strand), LOC129931442 (ATAC-STARR-seq lymphoblastoid silent region 1324; plus strand). Cytogenetic location: 1q21.3.
Variant type: Microsatellite.
Coding change: c.60CGG[6] on transcript NM_001330723.2 (MANE Select); six copies in a row of the 3-base unit CGG starting at c.60; the reference has four copies in a row; two copies, 6 bases duplicated.
Protein change: p.Gly24_Gly25dup.
Molecular consequence: inframe insertion.
Genome position (GRCh38, 1-based): chr1:151,612,267-151,612,272, CGGCGG duplicated; duplicating any 6 consecutive bases within chr1:151,612,259-151,612,272 gives the same sequence; the position shown is the placement nearest the transcript's 3' end. VCF-style (leftmost placement, unchanged base first): chr1-151612258-T-TGGCGGC. GRCh37 (hg19) VCF-style: chr1-151584734-T-TGGCGGC.
Other names: c.60CGG[6], p.Gly24_Gly25dup (NM_030918.6).
Identifiers: ClinVar variation 531717 (VCV000531717.10), dbSNP rs567208173, ClinGen allele CA526660920.